The following is an entry in ClinVar:

ClinVar aggregate classification (germline): Benign/Likely benign. Review status: criteria provided, multiple submitters, no conflicts (2 of 4 stars). 5 submissions from 5 submitters: Benign (4); Likely benign (1). Last evaluated 2025-12-08.

Conditions:
PLCB4-related disorder. Also called: PLCB4-related condition.
Auriculocondylar syndrome 2 (ARCND2A). Also called: AURICULOCONDYLAR SYNDROME 2A. Identifiers: Orphanet 137888, MedGen C3553404, MONDO:0013845, OMIM 614669.

Allele frequency attached by ClinVar (database versions not stated): ESP Exome Variant Server 0.00015; gnomAD 0.00087 and 0.00088; 1000 Genomes Project 30x 0.00109; 1000 Genomes Project 0.00120; TOPMed 0.00142; ExAC 0.00219; gnomAD exomes 0.00269.
gnomAD v4.1: 1,289 of 1,611,806 alleles (0.08%); highest among the groups gnomAD compares: Admixed American, 1.2%; 9 homozygotes.

Submissions (5):

Labcorp Genetics (formerly Invitae), Labcorp
Classification: Benign. Last evaluated: 2025-12-08. Review status: criteria provided, single submitter. Criteria: Invitae Variant Classification Sherloc (09022015). Collection method: clinical testing. Allele origin: germline.

PreventionGenetics, part of Exact Sciences
Classification: Likely benign for PLCB4-related condition. Last evaluated: 2024-12-09. Review status: criteria provided, single submitter. Criteria: ACMG Guidelines, 2015. Collection method: clinical testing. Allele origin: germline.
Comment: This variant is classified as likely benign based on ACMG/AMP sequence variant interpretation guidelines (Richards et al. 2015 PMID: 25741868, with internal and published modifications).

CeGaT Center for Human Genetics Tuebingen
Classification: Benign. Last evaluated: 2023-03-01. Review status: criteria provided, single submitter. Criteria: CeGaT Center For Human Genetics Tuebingen Variant Classification Criteria Version 2. Collection method: clinical testing. Allele origin: germline. Affected: yes. Observed: 1 variant allele.
Comment: PLCB4: BP4, BS1, BS2

Illumina Laboratory Services, Illumina
Classification: Benign for Auriculocondylar syndrome 2. Last evaluated: 2018-01-12. Review status: criteria provided, single submitter. Criteria: ICSL Variant Classification Criteria 13 December 2019. Collection method: clinical testing. Allele origin: germline.
Comment: This variant was observed in the ICSL laboratory as part of a predisposition screen in an ostensibly healthy population. It had not been previously curated by ICSL or reported in the Human Gene Mutation Database (HGMD: prior to June 1st, 2018), and was therefore a candidate for classification through an automated scoring system. Utilizing variant allele frequency, disease prevalence and penetrance estimates, and inheritance mode, an automated score was calculated to assess if this variant is too frequent to cause the disease. Based on the score and internal cut-off values, a variant classified as benign is not then subjected to further curation. The score for this variant resulted in a classification of benign for this disease.

Breakthrough Genomics
Classification: Benign. Review status: criteria provided, single submitter. Criteria: ACMG Guidelines, 2015. Collection method: not provided. Allele origin: germline. Inheritance: Autosomal dominant inheritance. Affected: yes.

NM_001377142.1(PLCB4):c.3534C>T (p.Gly1178=)

Gene: PLCB4 (phospholipase C beta 4; plus strand). Cytogenetic location: 20p12.2.
Variant type: single nucleotide variant.
Coding change: c.3534C>T on transcript NM_001377142.1 (MANE Select); coding-DNA position 3534, C replaced by T.
Protein change: p.Gly1178=; no amino-acid change (glycine 1178 retained).
Molecular consequence: synonymous variant. On other transcripts: missense variant (3).
Genome position (GRCh38, 1-based): chr20:9,478,922, C>T. VCF-style: chr20-9478922-C-T. GRCh37 (hg19) VCF-style: chr20-9459569-C-T.
Other names: c.3497C>T (NM_001172646.1); c.3498C>T, p.Gly1166= (NM_000933.4, NM_001377134.2, NM_001377135.1); c.3497C>T, p.Ala1166Val (NM_001172646.2); c.3461C>T, p.Ala1154Val (NM_001377136.1, NM_182797.3); c.3534C>T, p.Gly1178= (NM_001377143.1); short protein forms A1166V, A1154V.
Identifiers: ClinVar variation 339595 (VCV000339595.39), dbSNP rs145676690, ClinGen allele CA9761756.
Genomic context (GRCh38, chr20:9,478,922, plus strand): 5'-GTTAAGTGCCTTCAGATAAGGATTTCAACACACGTAAGGCCATGTTTCTGATGTTATAGG[C>T]GAAGGAGATGCAGCAGATGGTGAAATTGGAAGCCGAGATGGACCGCAGACCAGCAACAGT-3'
Protein context (NP_001364071.1, residues 1168-1188): KSCHAVSQTQ[Gly1178=]EGDAADGEIG